The following is an entry in ClinVar:

ClinVar aggregate classification (germline): Uncertain significance (0 of 4 stars; one submission).

Conditions:
Polycystic kidney disease. Also called: Polycystic kidney dysplasia; Kidney, Polycystic. Identifiers: MedGen C0022680, MeSH D007690, MONDO:0020642, HP:0000113.

Submission:

Department of Pathology and Laboratory Medicine, Sinai Health System
Classification: Uncertain significance for Polycystic Kidney disease. Review status: no assertion criteria provided. Collection method: clinical testing. Allele origin: unknown. Affected: yes. Study: The Canadian Open Genetics Repository (COGR).
Comment: The PKD1 p.Asn1661Ile variant was not identified in the literature nor was it identified in dbSNP, ClinVar, LOVD 3.0, ADPKD Mutation Database, PKD1-LOVD, Exome Aggregation Consortium (August 8th 2016) or the Genome Aggregation Database (Feb 27, 2017). The p.Asn1661 residue is conserved in mammals but not in more distantly related organisms, and computational analyses (PolyPhen-2, SIFT, AlignGVGD, BLOSUM, MutationTaster) suggest that the variant may impact the protein; however, this information is not predictive enough to assume pathogenicity. The variant occurs outside of the splicing consensus sequence and 2 of 4 in silico or computational prediction software programs (SpliceSiteFinder, MaxEntScan, NNSPLICE, GeneSplicer) predict a greater than 10% difference in splicing; this is not very predictive of pathogenicity. In summary, based on the above information the clinical significance of this variant cannot be determined with certainty at this time. This variant is classified as a variant of uncertain significance.

NM_001009944.3(PKD1):c.4982A>T (p.Asn1661Ile)

Gene: PKD1 (polycystin 1, transient receptor potential channel interacting; minus strand). Cytogenetic location: 16p13.3.
Variant type: single nucleotide variant.
Coding change: c.4982A>T on transcript NM_001009944.3 (MANE Select); coding-DNA position 4982, A replaced by T.
Protein change: p.Asn1661Ile; replaces asparagine 1661 with isoleucine.
Molecular consequence: missense variant.
Genome position (GRCh38, 1-based): chr16:2,110,185, T>A on the plus strand (A>T on the coding strand, the complement: PKD1 is on the minus strand). VCF-style: chr16-2110185-T-A. GRCh37 (hg19) VCF-style: chr16-2160186-T-A.
Other names: c.4982A>T, p.Asn1661Ile (NM_000296.4); short protein forms N1661I.
Identifiers: ClinVar variation 997289 (VCV000997289.1), dbSNP rs1440789964, ClinGen allele CA394378660.